The following is an entry in ClinVar:

NM_017636.4(TRPM4):c.442A>G (p.Ser148Gly)

Gene: TRPM4 (transient receptor potential cation channel subfamily M member 4; plus strand). Cytogenetic location: 19q13.33.
Variant type: single nucleotide variant.
Coding change: c.442A>G on transcript NM_017636.4 (MANE Select); coding-DNA position 442, A replaced by G.
Protein change: p.Ser148Gly; replaces serine 148 with glycine.
Molecular consequence: missense variant. On other transcripts: intron variant (4).
Genome position (GRCh38, 1-based): chr19:49,168,091, A>G. VCF-style: chr19-49168091-A-G. GRCh37 (hg19) VCF-style: chr19-49671348-A-G.
Other names: c.442A>G, p.Ser148Gly (NM_001195227.2); c.-1105-169A>G (NM_001321282.2); c.268-462A>G (NM_001321281.2); c.-74-169A>G (NM_001321283.2); c.-237-462A>G (NM_001321285.2); short protein forms S148G.
Identifiers: ClinVar variation 3684533 (VCV003684533.2).

ClinVar aggregate classification (germline): Uncertain significance (1 of 4 stars; one submission).

Conditions:
Progressive familial heart block type IB (PFHB1B). Identifiers: Orphanet 871, MedGen C1970298, MONDO:0011474, OMIM 604559.

gnomAD v4.1: 1 of 1,603,642 alleles (0.000062%); highest among the groups gnomAD compares: South Asian, 0.0011%; no homozygotes.

Submission:

Labcorp Genetics (formerly Invitae), Labcorp
Classification: Uncertain significance for Progressive familial heart block type IB. Last evaluated: 2024-11-08. Review status: criteria provided, single submitter. Criteria: Invitae Variant Classification Sherloc (09022015). Collection method: clinical testing. Allele origin: germline.
Comment: This sequence change replaces serine, which is neutral and polar, with glycine, which is neutral and non-polar, at codon 148 of the TRPM4 protein (p.Ser148Gly). This variant is not present in population databases (gnomAD no frequency). This variant has not been reported in the literature in individuals affected with TRPM4-related conditions. An algorithm developed to predict the effect of missense changes on protein structure and function (PolyPhen-2) suggests that this variant is likely to be tolerated. In summary, the available evidence is currently insufficient to determine the role of this variant in disease. Therefore, it has been classified as a Variant of Uncertain Significance.